The following is an entry in ClinVar:

ClinVar aggregate classification (germline): Uncertain significance (1 of 4 stars; one submission).

Conditions:
Menkes kinky-hair syndrome (MNK). Also called: Copper transport disease; Menkes Disease; Classic Menkes Disease. Identifiers: Orphanet 565, MedGen C0022716, MONDO:0010651, OMIM 309400.
Cutis laxa, X-linked (OHS). Also called: EDS IX; Occipital horn syndrome. Identifiers: Orphanet 198, MedGen C0268353, MONDO:0010572, OMIM 304150.
X-linked distal spinal muscular atrophy type 3. Also called: NEURONOPATHY, DISTAL HEREDITARY MOTOR, X-LINKED; NEUROPATHY, DISTAL HEREDITARY MOTOR, X-LINKED; ATP7A-Related Distal Motor Neuropathy; SPINAL MUSCULAR ATROPHY, DISTAL, X-LINKED RECESSIVE. Identifiers: Orphanet 139557, MedGen C1845359, MONDO:0010338, OMIM 300489.

Submission:

Labcorp Genetics (formerly Invitae), Labcorp
Classification: Uncertain significance for X-linked distal spinal muscular atrophy type 3; Cutis laxa, X-linked; Menkes kinky-hair syndrome. Last evaluated: 2024-11-19. Review status: criteria provided, single submitter. Criteria: Invitae Variant Classification Sherloc (09022015). Collection method: clinical testing. Allele origin: germline.
Comment: This sequence change replaces aspartic acid, which is acidic and polar, with glutamic acid, which is acidic and polar, at codon 422 of the ATP7A protein (p.Asp422Glu). This variant is not present in population databases (gnomAD no frequency). This variant has not been reported in the literature in individuals affected with ATP7A-related conditions. Invitae Evidence Modeling of protein sequence and biophysical properties (such as structural, functional, and spatial information, amino acid conservation, physicochemical variation, residue mobility, and thermodynamic stability) indicates that this missense variant is not expected to disrupt ATP7A protein function with a negative predictive value of 95%. In summary, the available evidence is currently insufficient to determine the role of this variant in disease. Therefore, it has been classified as a Variant of Uncertain Significance.

NM_000052.7(ATP7A):c.1266T>A (p.Asp422Glu)

Gene: ATP7A (ATPase copper transporting alpha; plus strand). Cytogenetic location: Xq21.1.
Variant type: single nucleotide variant.
Coding change: c.1266T>A on transcript NM_000052.7 (MANE Select); coding-DNA position 1266, T replaced by A.
Protein change: p.Asp422Glu; replaces aspartic acid 422 with glutamic acid.
Molecular consequence: missense variant.
Genome position (GRCh38, 1-based): chrX:77,989,888, T>A. VCF-style: chrX-77989888-T-A. GRCh37 (hg19) VCF-style: chrX-77245384-T-A.
Other names: c.1266T>A, p.Asp422Glu (NM_001282224.2); short protein forms D422E.
Identifiers: ClinVar variation 3763674 (VCV003763674.2).